The following is an entry in ClinVar:

NM_201384.3(PLEC):c.4186C>T (p.Arg1396Cys)

Gene: PLEC (plectin; minus strand). Cytogenetic location: 8q24.3.
Variant type: single nucleotide variant.
Coding change: c.4186C>T on transcript NM_201384.3 (MANE Select); coding-DNA position 4186, C replaced by T.
Protein change: p.Arg1396Cys; replaces arginine 1396 with cysteine.
Molecular consequence: missense variant.
Genome position (GRCh38, 1-based): chr8:143,925,743, G>A on the plus strand (C>T on the coding strand, the complement: PLEC is on the minus strand). VCF-style: chr8-143925743-G-A. GRCh37 (hg19) VCF-style: chr8-144999911-G-A.
Other names: c.4267C>T, p.Arg1423Cys (NM_000445.5); c.4144C>T, p.Arg1382Cys (NM_201378.4); c.4120C>T, p.Arg1374Cys (NM_201379.3); c.4597C>T, p.Arg1533Cys (NM_201380.4); c.4090C>T, p.Arg1364Cys (NM_201381.3); c.4186C>T, p.Arg1396Cys (NM_201382.4); c.4198C>T, p.Arg1400Cys (NM_201383.3); short protein forms R1374C, R1396C, R1400C, R1533C, R1423C, R1382C, R1364C.
Identifiers: ClinVar variation 471587 (VCV000471587.17), dbSNP rs782175129, ClinGen allele CA4926745.

ClinVar aggregate classification (germline): Uncertain significance. Review status: criteria provided, multiple submitters, no conflicts (2 of 4 stars). 3 submissions from 3 submitters: Uncertain significance (3). Last evaluated 2026-09-02.

Conditions:
PLEC-related disorder. Also called: PLEC-related disorders; PLEC-related condition.
Autosomal recessive limb-girdle muscular dystrophy type 2Q (LGMDR17). Also called: MUSCULAR DYSTROPHY, LIMB-GIRDLE, AUTOSOMAL RECESSIVE 17. Identifiers: Orphanet 254361, MedGen C3150989, MONDO:0013390, OMIM 613723.
Epidermolysis bullosa simplex with nail dystrophy (EBS5D). Identifiers: MedGen C4225309, MONDO:0014661, OMIM 616487.
Epidermolysis bullosa simplex 5C, with pyloric atresia (EBS5C). Also called: PLEC-Related Epidermolysis Bullosa with Pyloric Atresia; Epidermolysis bullosa simplex with pyloric atresia; PLEC1-Related Epidermolysis Bullosa with Pyloric Atresia. Identifiers: Orphanet 158684, MedGen C2677349, MONDO:0012807, OMIM 612138.
Epidermolysis bullosa simplex, Ogna type (EBS5A). Also called: Pidermolysis bullosa simplex 5A, Ogna type; EPIDERMOLYSIS BULLOSA SIMPLEX 5A, OGNA TYPE. Identifiers: Orphanet 79401, MedGen C0432317, MONDO:0007555, OMIM 131950.
Epidermolysis bullosa simplex 5B, with muscular dystrophy (EBS5B). Also called: EPIDERMOLYSIS BULLOSA SIMPLEX AND LIMB-GIRDLE MUSCULAR DYSTROPHY; Epidermolysis bullosa simplex with muscular dystrophy. Identifiers: Orphanet 257, MedGen C2931072, MONDO:0009181, OMIM 226670.

Allele frequency attached by ClinVar (database versions not stated): gnomAD exomes 0.00008 and 0.00019; ExAC 0.00009; gnomAD 0.00009; TOPMed 0.00011.
gnomAD v4.1: 285 of 1,594,444 alleles (0.018%); highest among the groups gnomAD compares: Non-Finnish European, 0.022%; no homozygotes.

Submissions (3):

PreventionGenetics, part of Exact Sciences
Classification: Uncertain significance for PLEC-related condition. Last evaluated: 2026-09-02. Review status: criteria provided, single submitter. Criteria: ACMG Guidelines, 2015. Collection method: clinical testing. Allele origin: germline.
Comment: The PLEC c.4267C>T variant is predicted to result in the amino acid substitution p.Arg1423Cys. To our knowledge, this variant has not been reported in the literature. This variant is reported in 0.014% of alleles in individuals of European (Non-Finnish) descent in gnomAD. At this time, the clinical significance of this variant is uncertain due to the absence of conclusive functional and genetic evidence.

Labcorp Genetics (formerly Invitae), Labcorp
Classification: Uncertain significance for Autosomal recessive limb-girdle muscular dystrophy type 2Q; Epidermolysis bullosa simplex, Ogna type; Epidermolysis bullosa simplex with nail dystrophy; Epidermolysis bullosa simplex 5C, with pyloric atresia; Epidermolysis bullosa simplex 5B, with muscular dystrophy. Last evaluated: 2025-12-09. Review status: criteria provided, single submitter. Criteria: Invitae Variant Classification Sherloc (09022015). Collection method: clinical testing. Allele origin: germline.
Comment: This sequence change replaces arginine, which is basic and polar, with cysteine, which is neutral and slightly polar, at codon 1423 of the PLEC protein (p.Arg1423Cys). This variant is present in population databases (rs782175129, gnomAD 0.01%). This variant has not been reported in the literature in individuals affected with PLEC-related conditions. ClinVar contains an entry for this variant (Variation ID: 471587). Experimental studies and prediction algorithms are not available or were not evaluated, and the functional significance of this variant is currently unknown. In summary, the available evidence is currently insufficient to determine the role of this variant in disease. Therefore, it has been classified as a Variant of Uncertain Significance.

Revvity Omics, Revvity
Classification: Uncertain significance. Last evaluated: 2019-06-24. Review status: criteria provided, single submitter. Criteria: ACMG Guidelines, 2015. Collection method: clinical testing. Allele origin: germline.